The following is an entry in ClinVar:

ClinVar aggregate classification (germline): Conflicting classifications of pathogenicity. Review status: criteria provided, conflicting classifications (1 of 4 stars). 4 submissions from 4 submitters: Uncertain significance (3); Likely benign (1). Last evaluated 2024-07-20.

Conditions:
Hereditary cancer-predisposing syndrome. Also called: Neoplastic Syndromes, Hereditary; Tumor predisposition; Hereditary neoplastic syndrome; Hereditary Cancer Syndrome. Identifiers: Orphanet 140162, MedGen C0027672, MeSH D009386, MONDO:0015356.
Retinoblastoma (RB1). Also called: RETINOBLASTOMA, SOMATIC. Identifiers: Orphanet 790, MedGen C0035335, MeSH D012175, MONDO:0008380, OMIM 180200, HP:0009919. Disease mechanism: loss of function. Inheritance: Both sporadic and heritable forms are tested..

Allele frequency attached by ClinVar (database versions not stated): gnomAD 0.00001; TOPMed 0.00003.
gnomAD v4.1: 4 of 1,596,698 alleles (0.00025%); highest among the groups gnomAD compares: Admixed American, 0.0017%; no homozygotes.

Submissions (4):

All of Us Research Program, National Institutes of Health
Classification: Uncertain significance for Retinoblastoma. Last evaluated: 2024-07-20. Review status: criteria provided, single submitter. Criteria: ACMG Guidelines, 2015. Collection method: clinical testing. Allele origin: germline. Inheritance: Autosomal dominant inheritance. Observed: 3 variant alleles, 3 heterozygotes.
Comment: This missense variant replaces alanine with serine at codon 496 of the RB1 protein. Computational prediction is inconclusive regarding the impact of this variant on protein structure and function (internally defined REVEL score threshold 0.5 < inconclusive < 0.7, PMID: 27666373). To our knowledge, functional studies have not been reported for this variant. This variant has not been reported in individuals affected with RB1-related disorders in the literature. This variant has not been identified in the general population by the Genome Aggregation Database (gnomAD). The available evidence is insufficient to determine the role of this variant in disease conclusively. Therefore, this variant is classified as a Variant of Uncertain Significance.

This study involves interpretation of variants in research participants for the purpose of population health screening. Participant phenotype was not available at the time of variant classification. Additional details can be found in publication PMID: 35346344, PMCID: PMC8962531

Labcorp Genetics (formerly Invitae), Labcorp
Classification: Likely benign for Retinoblastoma. Last evaluated: 2024-07-01. Review status: criteria provided, single submitter. Criteria: Invitae Variant Classification Sherloc (09022015). Collection method: clinical testing. Allele origin: germline.

Color Diagnostics, LLC DBA Color Health
Classification: Uncertain significance for Retinoblastoma. Last evaluated: 2024-03-06. Review status: criteria provided, single submitter. Criteria: ACMG Guidelines, 2015. Collection method: clinical testing. Allele origin: germline.
Comment: This missense variant replaces alanine with serine at codon 496 of the RB1 protein. Computational prediction is inconclusive regarding the impact of this variant on protein structure and function. To our knowledge, functional studies have not been reported for this variant. This variant has not been reported in individuals affected with RB1-related disorders in the literature. This variant has not been identified in the general population by the Genome Aggregation Database (gnomAD). The available evidence is insufficient to determine the role of this variant in disease conclusively. Therefore, this variant is classified as a Variant of Uncertain Significance.

Ambry Genetics
Classification: Uncertain significance for Hereditary cancer-predisposing syndrome. Last evaluated: 2024-01-23. Review status: criteria provided, single submitter. Criteria: Ambry Variant Classification Scheme 2023. Collection method: clinical testing. Allele origin: germline.
Comment: The p.A496S variant (also known as c.1486G>T), located in coding exon 16 of the RB1 gene, results from a G to T substitution at nucleotide position 1486. The alanine at codon 496 is replaced by serine, an amino acid with similar properties. This amino acid position is highly conserved in available vertebrate species. In addition, the in silico prediction for this alteration is inconclusive. Since supporting evidence is limited at this time, the clinical significance of this alteration remains unclear.

NM_000321.3(RB1):c.1486G>T (p.Ala496Ser)

Gene: RB1 (RB transcriptional corepressor 1; plus strand). Cytogenetic location: 13q14.2.
Variant type: single nucleotide variant.
Coding change: c.1486G>T on transcript NM_000321.3 (MANE Select); coding-DNA position 1486, G replaced by T.
Protein change: p.Ala496Ser; replaces alanine 496 with serine.
Molecular consequence: missense variant.
Genome position (GRCh38, 1-based): chr13:48,380,229, G>T. VCF-style: chr13-48380229-G-T. GRCh37 (hg19) VCF-style: chr13-48954365-G-T.
Other names: short protein forms A496S.
Identifiers: ClinVar variation 567817 (VCV000567817.14), dbSNP rs1366675428, ClinGen allele CA388162902.